The following is an entry in ClinVar:

ClinVar aggregate classification (germline): Likely benign. Review status: criteria provided, single submitter (1 of 4 stars). 3 submissions from 3 submitters: Likely benign (1). 2 of the submissions do not count toward it. Last evaluated 2024-03-24.

Conditions:
DLD-related disorder. Also called: DLD-related disorders; DLD-related condition.
Pyruvate dehydrogenase E3 deficiency (DLDD). Also called: Dihydrolipoamide Dehydrogenase E3 Deficiency; MAPLE SYRUP URINE DISEASE, TYPE III; Dihydrolipoamide Dehydrogenase (E3) Deficiency; Lipoamide dehydrogenase deficiency, lactic acidosis due to; Lipoamide dehydrogenase deficiency; Dihydrolipoamide Dehydrogenase Deficiency. Identifiers: Orphanet 2394, Orphanet 765, MedGen C5574660, MONDO:0009529, OMIM 246900.

Allele frequency attached by ClinVar (database versions not stated): gnomAD 0.00001; TOPMed 0.00003; gnomAD exomes 0.00007 and 0.00011.
gnomAD v4.1: 165 of 1,612,632 alleles (0.01%); highest among the groups gnomAD compares: Non-Finnish European, 0.013%; no homozygotes.

Submissions (3):

Labcorp Genetics (formerly Invitae), Labcorp
Classification: Likely benign for Pyruvate dehydrogenase E3 deficiency. Last evaluated: 2024-03-24. Review status: criteria provided, single submitter. Criteria: Invitae Variant Classification Sherloc (09022015). Collection method: clinical testing. Allele origin: germline.

Natera, Inc.
Classification: Uncertain significance for Maple syrup urine disease type 3. Last evaluated: 2020-02-13. Review status: no assertion criteria provided. Collection method: clinical testing. Allele origin: germline. Not counted in ClinVar's aggregate classification.

PreventionGenetics, part of Exact Sciences
Classification: Likely benign for DLD-related condition. Last evaluated: 2019-03-14. Review status: no assertion criteria provided. Collection method: clinical testing. Allele origin: germline. Not counted in ClinVar's aggregate classification.
Comment: This variant is classified as likely benign based on ACMG/AMP sequence variant interpretation guidelines (Richards et al. 2015 PMID: 25741868, with internal and published modifications).

NM_000108.5(DLD):c.199-7G>T

Gene: DLD (dihydrolipoamide dehydrogenase; plus strand). Cytogenetic location: 7q31.1.
Variant type: single nucleotide variant.
Coding change: c.199-7G>T on transcript NM_000108.5 (MANE Select); 7 bases into the intron before coding-DNA position 199, G replaced by T.
Molecular consequence: intron variant.
Genome position (GRCh38, 1-based): chr7:107,902,318, G>T. VCF-style: chr7-107902318-G-T. GRCh37 (hg19) VCF-style: chr7-107542763-G-T.
Other names: c.199-7G>T (NM_001289752.1); c.198+501G>T (NM_001289751.1); c.-30-1160G>T (NM_001289750.1).
Identifiers: ClinVar variation 761729 (VCV000761729.13), dbSNP rs1358100638, ClinGen allele CA577038204.